The following is an entry in ClinVar:

NM_000048.4(ASL):c.711C>G (p.Asp237Glu)

Gene: ASL (argininosuccinate lyase; plus strand). Cytogenetic location: 7q11.21.
Variant type: single nucleotide variant.
Coding change: c.711C>G on transcript NM_000048.4 (MANE Select); coding-DNA position 711, C replaced by G.
Protein change: p.Asp237Glu; replaces aspartic acid 237 with glutamic acid.
Molecular consequence: missense variant.
Genome position (GRCh38, 1-based): chr7:66,087,784, C>G. VCF-style: chr7-66087784-C-G. GRCh37 (hg19) VCF-style: chr7-65552771-C-G.
Other names: c.711C>G, p.Asp237Glu (NM_001024943.2, NM_001024944.2); c.633C>G, p.Asp211Glu (NM_001024946.2); short protein forms D237E, D211E.
Identifiers: ClinVar variation 2709572 (VCV002709572.3), dbSNP rs2485013779, ClinGen allele CA367644842.

ClinVar aggregate classification (germline): Likely pathogenic (1 of 4 stars; one submission).

Conditions:
Argininosuccinate lyase deficiency. Also called: ARGININOSUCCINIC ACID LYASE DEFICIENCY; ASL DEFICIENCY; Argininosuccinic aciduria. Identifiers: Orphanet 23, MedGen C0268547, MONDO:0008815, OMIM 207900, HP:0025630.

Submission:

Labcorp Genetics (formerly Invitae), Labcorp
Classification: Likely pathogenic for Argininosuccinate lyase deficiency. Last evaluated: 2024-01-16. Review status: criteria provided, single submitter. Criteria: Invitae Variant Classification Sherloc (09022015). Collection method: clinical testing. Allele origin: germline.
Comment: This sequence change replaces aspartic acid, which is acidic and polar, with glutamic acid, which is acidic and polar, at codon 237 of the ASL protein (p.Asp237Glu). This variant is not present in population databases (gnomAD no frequency). This variant has not been reported in the literature in individuals affected with ASL-related conditions. Advanced modeling of protein sequence and biophysical properties (such as structural, functional, and spatial information, amino acid conservation, physicochemical variation, residue mobility, and thermodynamic stability) performed at Invitae indicates that this missense variant is expected to disrupt ASL protein function with a positive predictive value of 95%. This variant disrupts the p.Asp237 amino acid residue in ASL. Other variant(s) that disrupt this residue have been determined to be pathogenic (PMID: 24166829, 31943503). This suggests that this residue is clinically significant, and that variants that disrupt this residue are likely to be disease-causing. In summary, the currently available evidence indicates that the variant is pathogenic, but additional data are needed to prove that conclusively. Therefore, this variant has been classified as Likely Pathogenic.

Literature cited by the submitters: PubMed 24166829; PubMed 31943503.